The following is an entry in ClinVar:

ClinVar aggregate classification (germline): Uncertain significance (1 of 4 stars; one submission).

Submission:

Labcorp Genetics (formerly Invitae), Labcorp
Classification: Uncertain significance. Last evaluated: 2025-04-21. Review status: criteria provided, single submitter. Criteria: Invitae Variant Classification Sherloc (09022015). Collection method: clinical testing. Allele origin: germline.
Comment: This sequence change replaces proline, which is neutral and non-polar, with arginine, which is basic and polar, at codon 443 of the TRIM8 protein (p.Pro443Arg). This variant is not present in population databases (gnomAD no frequency). This variant has not been reported in the literature in individuals affected with TRIM8-related conditions. ClinVar contains an entry for this variant (Variation ID: 2092376). An algorithm developed to predict the effect of missense changes on protein structure and function (PolyPhen-2) suggests that this variant is likely to be tolerated. In summary, the available evidence is currently insufficient to determine the role of this variant in disease. Therefore, it has been classified as a Variant of Uncertain Significance.

NM_030912.3(TRIM8):c.1328C>G (p.Pro443Arg)

Gene: TRIM8 (tripartite motif containing 8; plus strand). Cytogenetic location: 10q24.32.
Variant type: single nucleotide variant.
Coding change: c.1328C>G on transcript NM_030912.3 (MANE Select); coding-DNA position 1328, C replaced by G.
Protein change: p.Pro443Arg; replaces proline 443 with arginine.
Molecular consequence: missense variant. On other transcripts: non-coding transcript variant (1).
Genome position (GRCh38, 1-based): chr10:102,657,026, C>G. VCF-style: chr10-102657026-C-G. GRCh37 (hg19) VCF-style: chr10-104416783-C-G.
Other names: c.1232C>G, p.Pro411Arg (NM_001345950.1); short protein forms P411R, P443R.
Identifiers: ClinVar variation 2092376 (VCV002092376.4), dbSNP rs2492915789, ClinGen allele CA377932130.